The following is an entry in ClinVar:

ClinVar aggregate classification (germline): Pathogenic. Review status: criteria provided, single submitter (1 of 4 stars). 2 submissions from 2 submitters: Pathogenic (1). 1 of the submissions does not count toward it. Last evaluated 2026-04-30.

Conditions:
Alkaptonuria (AKU). Also called: Homogentisic acidura; Alkaptonuric ochronosis; HOMOGENTISIC ACID OXIDASE DEFICIENCY; Alcaptonuria. Identifiers: Orphanet 56, MedGen C0002066, MONDO:0008753, OMIM 203500.

Submissions (2):

Myriad Genetics, Inc.
Classification: Pathogenic for Alkaptonuria. Last evaluated: 2026-04-30. Review status: criteria provided, single submitter. Criteria: Myriad Autosomal Dominant, Autosomal Recessive and X-Linked Classification Criteria (2023). Collection method: clinical testing. Allele origin: unknown.
Comment: NM_000187.3(HGD):c.1031delG(G344Dfs*25) is a frameshift variant classified as pathogenic in the context of alkaptonuria. G344Dfs*25 has been observed in a case with relevant disease (PMID: 34686677). Relevant functional assessments of this variant are not available in the literature. G344Dfs*25 has been observed in referenced population frequency databases. In summary, NM_000187.3(HGD):c.1031delG(G344Dfs*25) is a frameshift variant that has been observed more frequently in cases with the relevant disease than in healthy populations. Please note: this variant was assessed in the context of healthy population screening.

Biochemical Genetics Laboratory, National Taiwan University
Classification: Pathogenic for Alkaptonuria. Review status: no assertion criteria provided. Collection method: research. Allele origin: unknown. Affected: yes. Not counted in ClinVar's aggregate classification.

Literature cited by the submitters: PubMed 34686677 (cited by Myriad Genetics, Inc. and Biochemical Genetics Laboratory, National Taiwan University).

NM_000187.4(HGD):c.1031del (p.Gly344fs)

Gene: HGD (homogentisate 1,2-dioxygenase; minus strand). Cytogenetic location: 3q13.33.
Variant type: Deletion.
Coding change: c.1031del on transcript NM_000187.4 (MANE Select); coding-DNA position 1031, one base deleted (G; older notation c.1031delG).
Protein change: p.Gly344fs; shifts the reading frame from glycine 344.
Molecular consequence: frameshift variant.
Genome position (GRCh38, 1-based): chr3:120,633,304, C deleted on the plus strand (G on the coding strand, the reverse complement: HGD is on the minus strand); the first of 3 consecutive C bases (chr3:120,633,304-120,633,306); deleting any one gives the same sequence. VCF-style (leftmost placement, unchanged base first): chr3-120633303-TC-T. GRCh37 (hg19) VCF-style: chr3-120352150-TC-T.
Other names: c.1031delG (NM_000187.4); short protein forms G344fs.
Identifiers: ClinVar variation 1264347 (VCV001264347.2), dbSNP rs1295089623, ClinGen allele CA545608360.
Genomic context (GRCh38, chr3:120,633,303, plus strand): 5'-TAGACTCCCTCCCCCTGGCAGGAACCCACCTTGCTTTGCCTCATAGTGACCTCGGATGAG[TC>T]CCATGAACTCACTCATGCAGTTCCCTGGGAAGGTTGAAGCAGTATTATTTTTATTATCCA-3'